The following is an entry in ClinVar:

NM_001609.4(ACADSB):c.*473G>C

Gene: ACADSB (acyl-CoA dehydrogenase short/branched chain; plus strand). Cytogenetic location: 10q26.13.
Variant type: single nucleotide variant.
Coding change: c.*473G>C on transcript NM_001609.4 (MANE Select); 473 bases downstream of the stop codon, G replaced by C.
Molecular consequence: 3 prime UTR variant.
Genome position (GRCh38, 1-based): chr10:123,054,238, G>C. VCF-style: chr10-123054238-G-C. GRCh37 (hg19) VCF-style: chr10-124813754-G-C.
Other names: c.*473G>C (NM_001330174.3).
Identifiers: ClinVar variation 299104 (VCV000299104.5), dbSNP rs189484621, ClinGen allele CA10634867.

ClinVar aggregate classification (germline): Benign (1 of 4 stars; one submission).

Conditions:
Deficiency of 2-methylbutyryl-CoA dehydrogenase (ACADSB). Also called: 2-methylbutyryl-CoA dehydrogenase deficiency; SBCAD deficiency; 2-methylbutyric aciduria; Short branched-chain acyl-CoA dehydrogenase deficiency; 2-methylbutyrylglycinuria. Identifiers: Orphanet 79157, MedGen C1864912, MONDO:0012392, OMIM 610006, HP:0020147.

Allele frequency attached by ClinVar (database versions not stated): gnomAD exomes 0.00057; gnomAD 0.00349 and 0.00370; TOPMed 0.00386; 1000 Genomes Project 0.00539; 1000 Genomes Project 30x 0.00562.
gnomAD v4.1: 528 of 163,090 alleles (0.32%); highest among the groups gnomAD compares: African/African-American, 1.2%; 1 homozygote.

Submission:

Illumina Laboratory Services, Illumina
Classification: Benign for Deficiency of 2-methylbutyryl-CoA dehydrogenase. Last evaluated: 2018-01-12. Review status: criteria provided, single submitter. Criteria: ICSL Variant Classification Criteria 13 December 2019. Collection method: clinical testing. Allele origin: germline.
Comment: This variant was observed in the ICSL laboratory as part of a predisposition screen in an ostensibly healthy population. It had not been previously curated by ICSL or reported in the Human Gene Mutation Database (HGMD: prior to June 1st, 2018), and was therefore a candidate for classification through an automated scoring system. Utilizing variant allele frequency, disease prevalence and penetrance estimates, and inheritance mode, an automated score was calculated to assess if this variant is too frequent to cause the disease. Based on the score and internal cut-off values, a variant classified as benign is not then subjected to further curation. The score for this variant resulted in a classification of benign for this disease.